The following is an entry in ClinVar:

ClinVar aggregate classification (germline): Likely benign. Review status: criteria provided, multiple submitters, no conflicts (2 of 4 stars). 2 submissions from 2 submitters: Likely benign (2). Last evaluated 2025-07-27.

Conditions:
Carnitine palmitoyl transferase 1A deficiency. Also called: Carnitine palmitoyltransferase 1A deficiency; CPT deficiency, hepatic, type IA; Carnitine palmitoyltransferase type I deficiency; CPT I DEFICIENCY; CPT DEFICIENCY, HEPATIC, TYPE I. Identifiers: Orphanet 156, MedGen C1829703, MONDO:0009705, OMIM 255120.

Allele frequency attached by ClinVar (database versions not stated): gnomAD exomes 0.00001; TOPMed 0.00002; gnomAD 0.00003 and 0.00004.
gnomAD v4.1: 19 of 1,614,032 alleles (0.0012%); highest among the groups gnomAD compares: South Asian, 0.0077%; 1 homozygote.

Submissions (2):

Labcorp Genetics (formerly Invitae), Labcorp
Classification: Likely benign for Carnitine palmitoyl transferase 1A deficiency. Last evaluated: 2025-07-27. Review status: criteria provided, single submitter. Criteria: Invitae Variant Classification Sherloc (09022015). Collection method: clinical testing. Allele origin: germline.

GeneDx
Classification: Likely benign. Last evaluated: 2018-04-03. Review status: criteria provided, single submitter. Criteria: GeneDx Variant Classification (06012015). Collection method: clinical testing. Allele origin: germline. Affected: yes.
Comment: This variant is considered likely benign or benign based on one or more of the following criteria: it is a conservative change, it occurs at a poorly conserved position in the protein, it is predicted to be benign by multiple in silico algorithms, and/or has population frequency not consistent with disease.

NM_001876.4(CPT1A):c.1302G>A (p.Thr434=)

Genes: CPT1A (carnitine palmitoyltransferase 1A; minus strand), LOC126861244 (BRD4-independent group 4 enhancer GRCh37_chr11:68549035-68550234; plus strand). Cytogenetic location: 11q13.3.
Variant type: single nucleotide variant.
Coding change: c.1302G>A on transcript NM_001876.4 (MANE Select); coding-DNA position 1302, G replaced by A.
Protein change: p.Thr434=; no amino-acid change (threonine 434 retained).
Molecular consequence: synonymous variant.
Genome position (GRCh38, 1-based): chr11:68,781,821, C>T on the plus strand (G>A on the coding strand, the complement: CPT1A is on the minus strand). VCF-style: chr11-68781821-C-T. GRCh37 (hg19) VCF-style: chr11-68549289-C-T.
Other names: c.1302G>A, p.Thr434= (NM_001031847.3).
Identifiers: ClinVar variation 681409 (VCV000681409.11), dbSNP rs1424284180, ClinGen allele CA475195186.